The following is an entry in ClinVar:

ClinVar aggregate classification (germline): Likely benign. Review status: criteria provided, multiple submitters, no conflicts (2 of 4 stars). 3 submissions from 3 submitters: Likely benign (2). 1 of the submissions does not count toward it. Last evaluated 2024-06-03.

Conditions:
ATP1A2-related disorder. Also called: ATP1A2-related condition; ATP1A2-RELATED DISORDERS.
Familial hemiplegic migraine. Identifiers: MedGen C0338484, MONDO:0000700.

Allele frequency attached by ClinVar (database versions not stated): gnomAD exomes below 0.00001; gnomAD 0.00001 and 0.00002; ExAC 0.00002; TOPMed 0.00002; 1000 Genomes Project 30x 0.00016.
gnomAD v4.1: 5 of 1,607,742 alleles (0.00031%); highest among the groups gnomAD compares: Admixed American, 0.0017%; no homozygotes.

Submissions (3):

Labcorp Genetics (formerly Invitae), Labcorp
Classification: Likely benign for Familial hemiplegic migraine. Last evaluated: 2024-06-03. Review status: criteria provided, single submitter. Criteria: Invitae Variant Classification Sherloc (09022015). Collection method: clinical testing. Allele origin: germline.

GeneDx
Classification: Likely benign. Last evaluated: 2016-12-13. Review status: criteria provided, single submitter. Criteria: GeneDx Variant Classification (06012015). Collection method: clinical testing. Allele origin: germline. Affected: yes.
Comment: This variant is considered likely benign or benign based on one or more of the following criteria: it is a conservative change, it occurs at a poorly conserved position in the protein, it is predicted to be benign by multiple in silico algorithms, and/or has population frequency not consistent with disease.

PreventionGenetics, part of Exact Sciences
Classification: Likely benign for ATP1A2-related condition. Last evaluated: 2020-03-23. Review status: no assertion criteria provided. Collection method: clinical testing. Allele origin: germline. Not counted in ClinVar's aggregate classification.
Comment: This variant is classified as likely benign based on ACMG/AMP sequence variant interpretation guidelines (Richards et al. 2015 PMID: 25741868, with internal and published modifications).

NM_000702.4(ATP1A2):c.513G>A (p.Arg171=)

Genes: ATP1A2 (ATPase Na+/K+ transporting subunit alpha 2; plus strand), LOC126805890 (CDK7 strongly-dependent group 2 enhancer GRCh37_chr1:160093987-160095186; plus strand). Cytogenetic location: 1q23.2.
Variant type: single nucleotide variant.
Coding change: c.513G>A on transcript NM_000702.4 (MANE Select); coding-DNA position 513, G replaced by A.
Protein change: p.Arg171=; no amino-acid change (arginine 171 retained).
Molecular consequence: synonymous variant.
Genome position (GRCh38, 1-based): chr1:160,124,313, G>A. VCF-style: chr1-160124313-G-A. GRCh37 (hg19) VCF-style: chr1-160094103-G-A.
Identifiers: ClinVar variation 391638 (VCV000391638.12), dbSNP rs770882300, ClinGen allele CA1194209.